The following is an entry in ClinVar:

ClinVar aggregate classification (germline): Uncertain significance (1 of 4 stars; one submission).

Allele frequency attached by ClinVar (database versions not stated): gnomAD exomes below 0.00001.
gnomAD v4.1: 1 of 1,613,676 alleles (0.000062%); highest among the groups gnomAD compares: South Asian, 0.0011%; no homozygotes.

Submission:

Labcorp Genetics (formerly Invitae), Labcorp
Classification: Uncertain significance. Last evaluated: 2021-11-06. Review status: criteria provided, single submitter. Criteria: Invitae Variant Classification Sherloc (09022015). Collection method: clinical testing. Allele origin: germline.
Comment: In summary, the available evidence is currently insufficient to determine the role of this variant in disease. Therefore, it has been classified as a Variant of Uncertain Significance. Algorithms developed to predict the effect of missense changes on protein structure and function (SIFT, PolyPhen-2, Align-GVGD) all suggest that this variant is likely to be tolerated. This variant has not been reported in the literature in individuals affected with MYSM1-related conditions. This variant is present in population databases (no rsID available, gnomAD 0.003%). This sequence change replaces glycine, which is neutral and non-polar, with arginine, which is basic and polar, at codon 19 of the MYSM1 protein (p.Gly19Arg).

NM_001085487.3(MYSM1):c.55G>C (p.Gly19Arg)

Genes: MYSM1 (Myb like, SWIRM and MPN domains 1; minus strand), LOC129930616 (ATAC-STARR-seq lymphoblastoid active region 1087; plus strand). Cytogenetic location: 1p32.1.
Variant type: single nucleotide variant.
Coding change: c.55G>C on transcript NM_001085487.3 (MANE Select); coding-DNA position 55, G replaced by C.
Protein change: p.Gly19Arg; replaces glycine 19 with arginine.
Molecular consequence: missense variant.
Genome position (GRCh38, 1-based): chr1:58,699,998, C>G on the plus strand (G>C on the coding strand, the complement: MYSM1 is on the minus strand). VCF-style: chr1-58699998-C-G. GRCh37 (hg19) VCF-style: chr1-59165670-C-G.
Other names: short protein forms G19R.
Identifiers: ClinVar variation 1481222 (VCV001481222.6), dbSNP rs1254108602, ClinGen allele CA340534475.
Genomic context (GRCh38, chr1:58,699,998, plus strand): 5'-ATCCACTCCCCTCTCCGCCCCAGAGAGACCCGGTCTCTAAGCCTCACCCTGGCTGTGCCC[C>G]CGCCGCCGCTACCACGTCCCCTTCGATATCCACATCCGCCTCTTCAGCCGCCATGATGGG-3'
Protein context (NP_001078956.1, residues 9-29): DIEGDVVAAA[Gly19Arg]AQPGSGENTA